The following is an entry in ClinVar:

ClinVar aggregate classification (germline): Uncertain significance (1 of 4 stars; one submission).

Conditions:
Inborn genetic diseases. Identifiers: MedGen C0950123, MeSH D030342.

Submission:

Ambry Genetics
Classification: Uncertain significance for Inborn genetic diseases. Last evaluated: 2024-11-28. Review status: criteria provided, single submitter. Criteria: Ambry Variant Classification Scheme 2023. Collection method: clinical testing. Allele origin: germline.
Comment: The p.G107D variant (also known as c.320G>A), located in coding exon 2 of the G6PC3 gene, results from a G to A substitution at nucleotide position 320. The glycine at codon 107 is replaced by aspartic acid, an amino acid with similar properties. This amino acid position is conserved. In addition, this alteration is predicted to be deleterious by in silico analysis. Based on the available evidence, the clinical significance of this variant remains unclear.

NM_138387.4(G6PC3):c.320G>A (p.Gly107Asp)

Gene: G6PC3 (glucose-6-phosphatase catalytic subunit 3; plus strand). Cytogenetic location: 17q21.31.
Variant type: single nucleotide variant.
Coding change: c.320G>A on transcript NM_138387.4 (MANE Select); coding-DNA position 320, G replaced by A.
Protein change: p.Gly107Asp; replaces glycine 107 with aspartic acid.
Molecular consequence: missense variant. On other transcripts: 5 prime UTR variant (4).
Genome position (GRCh38, 1-based): chr17:44,074,261, G>A. VCF-style: chr17-44074261-G-A. GRCh37 (hg19) VCF-style: chr17-42151629-G-A.
Other names: c.320G>A, p.Gly107Asp (NM_001319945.2); c.-26G>A (NM_001384165.1, NM_001384166.1, NM_001384167.1 and 1 more transcripts); short protein forms G107D.
Identifiers: ClinVar variation 3518065 (VCV003518065.1).